The following is an entry in ClinVar:

ClinVar aggregate classification (germline): Uncertain significance (1 of 4 stars; one submission).

Conditions:
Hereditary cancer-predisposing syndrome. Also called: Tumor predisposition; Hereditary Cancer Syndrome; Hereditary neoplastic syndrome; Neoplastic Syndromes, Hereditary. Identifiers: Orphanet 140162, MedGen C0027672, MeSH D009386, MONDO:0015356.

Submission:

Ambry Genetics
Classification: Uncertain significance for Hereditary cancer-predisposing syndrome. Last evaluated: 2023-10-10. Review status: criteria provided, single submitter. Criteria: Ambry Variant Classification Scheme 2023. Collection method: clinical testing. Allele origin: germline.
Comment: The p.R13S variant (also known as c.37C>A), located in coding exon 1 of the CDKN2A (p14ARF) gene, results from a C to A substitution at nucleotide position 37. The arginine at codon 13 is replaced by serine, an amino acid with dissimilar properties. This amino acid position is well conserved in available vertebrate species. In addition, the in silico prediction for this alteration is inconclusive. Since supporting evidence is limited at this time, the clinical significance of this alteration remains unclear.

NM_058195.4(CDKN2A):c.37C>A (p.Arg13Ser)

Gene: CDKN2A (cyclin dependent kinase inhibitor 2A; minus strand). Cytogenetic location: 9p21.3.
Variant type: single nucleotide variant.
Coding change: c.37C>A on transcript NM_058195.4 (MANE Plus Clinical); coding-DNA position 37, C replaced by A.
Protein change: p.Arg13Ser; replaces arginine 13 with serine.
Molecular consequence: missense variant. On other transcripts: intron variant (1).
Genome position (GRCh38, 1-based): chr9:21,994,295, G>T on the plus strand (C>A on the coding strand, the complement: CDKN2A is on the minus strand). VCF-style: chr9-21994295-G-T. GRCh37 (hg19) VCF-style: chr9-21994294-G-T.
Other names: c.-4+526C>A (NM_001363763.2); short protein forms R13S.
Identifiers: ClinVar variation 3228939 (VCV003228939.1), dbSNP rs1389587108, ClinGen allele CA373087069.